The following is an entry in ClinVar:

ClinVar aggregate classification (germline): Conflicting classifications of pathogenicity. Review status: criteria provided, conflicting classifications (1 of 4 stars). 4 submissions from 3 submitters: Pathogenic (1); Uncertain significance (2). 1 of the submissions does not count toward it. Last evaluated 2023-11-18.

Conditions:
Hyperinsulinemic hypoglycemia, familial, 1 (HHF1). Also called: HYPERINSULINISM, FAMILIAL, WITH PANCREATIC NESIDIOBLASTOSIS; HYPOGLYCEMIA, HYPERINSULINEMIC, OF INFANCY; Persistent hyperinsulinemic hypoglycemia of infancy; NESIDIOBLASTOSIS OF PANCREAS; Persistent Hyperinsulinemia Hypoglycemia of Infancy. Identifiers: Orphanet 276575, Orphanet 276598, MedGen C2931832, MONDO:0009734, OMIM 256450.
Maturity-onset diabetes of the young (MODY). Also called: Maturity onset diabetes mellitus in young. Identifiers: Orphanet 552, MedGen C0342276, MONDO:0018911, HP:0004904.
Transitory neonatal diabetes mellitus. Also called: Transient neonatal diabetes mellitus. Identifiers: MedGen C0342273, MONDO:0020525, HP:0008255.
Type 2 diabetes mellitus. Also called: Type II diabetes mellitus. Identifiers: MedGen C0011860, MeSH D003924, MONDO:0005148, OMIM 125853, HP:0005978.

Submissions (4):

Baylor Genetics
Classification: Pathogenic for Type 2 diabetes mellitus. Last evaluated: 2023-11-18. Review status: criteria provided, single submitter. Criteria: ACMG Guidelines, 2015. Collection method: clinical testing. Allele origin: unknown.

Clinical Genomics, Uppaluri K&H Personalized Medicine Clinic
Classification: Uncertain significance for Maturity-onset diabetes of the young. Review status: criteria provided, single submitter. Criteria: K & H Uppaluri Personalized Medicine Clinic Variant Classification & Assertion Criteria_Updated V.1. Collection method: research. Allele origin: unknown. Inheritance: Somatic mutation.
Comment: Mutations in ABCC8 gene are associated with both neonatal diabetes mellitus as well as MODY. Patients with this mutation may have a better response to sulfonylureas. However, no sufficient evidence is found to ascertain the role of this particular variant (rs1554948445) in MODY yet.

Clinical Genomics, Uppaluri K&H Personalized Medicine Clinic
Classification: Uncertain significance for Transitory neonatal diabetes mellitus. Review status: criteria provided, single submitter. Criteria: K & H Uppaluri Personalized Medicine Clinic Variant Classification & Assertion Criteria_Updated V.1. Collection method: research. Allele origin: unknown.
Comment: Mutations in ABCC8 gene are associated with both neonatal diabetes mellitus as well as MODY. Patients with this mutation may have a better response to sulfonylureas. However, no sufficient evidence is found to ascertain the role of this particular variant (rs1554948445) in neonatal diabetes yet.

Counsyl
Classification: Likely pathogenic for Hyperinsulinemic hypoglycemia, familial, 1. Last evaluated: 2017-04-12. Review status: no assertion criteria provided. Collection method: clinical testing. Allele origin: unknown. Not counted in ClinVar's aggregate classification.

Literature cited by the submitters: PubMed 16885549 (cited by Clinical Genomics, Uppaluri K&H Personalized Medicine Clinic); PubMed 21989597 (cited by Clinical Genomics, Uppaluri K&H Personalized Medicine Clinic); PubMed 27538677 (cited by Clinical Genomics, Uppaluri K&H Personalized Medicine Clinic); PubMed 18981553 (cited by Clinical Genomics, Uppaluri K&H Personalized Medicine Clinic); PubMed 32027066 (cited by Clinical Genomics, Uppaluri K&H Personalized Medicine Clinic); PubMed 16613899 (cited by Clinical Genomics, Uppaluri K&H Personalized Medicine Clinic); PubMed 18025408 (cited by Clinical Genomics, Uppaluri K&H Personalized Medicine Clinic); PubMed 32792356 (cited by Clinical Genomics, Uppaluri K&H Personalized Medicine Clinic); PubMed 23275527 (cited by Counsyl).

NM_000352.6(ABCC8):c.149-1G>A

Gene: ABCC8 (ATP binding cassette subfamily C member 8; minus strand). Cytogenetic location: 11p15.1.
Variant type: single nucleotide variant.
Coding change: c.149-1G>A on transcript NM_000352.6 (MANE Select); the canonical splice acceptor site of the intron before coding-DNA position 149, G replaced by A.
Molecular consequence: splice acceptor variant.
Genome position (GRCh38, 1-based): chr11:17,475,028, C>T on the plus strand (G>A on the coding strand, the complement: ABCC8 is on the minus strand). VCF-style: chr11-17475028-C-T. GRCh37 (hg19) VCF-style: chr11-17496575-C-T.
Other names: c.149-1G>A (NM_001351297.2, NM_001351296.2, NM_001351295.2 and 1 more transcripts).
Identifiers: ClinVar variation 551467 (VCV000551467.6), dbSNP rs1554948445, ClinGen allele CA379788741.